The following is an entry in ClinVar:

ClinVar aggregate classification (germline): Pathogenic/Likely pathogenic. Review status: criteria provided, multiple submitters, no conflicts (2 of 4 stars). 9 submissions from 9 submitters: Pathogenic (6); Likely pathogenic (2). 1 of the submissions does not count toward it. Last evaluated 2026-02-03.

Conditions:
SDHA-related disorder. Also called: SDHA-related condition; SDHA-related disorders.
Pheochromocytoma/paraganglioma syndrome 5. Also called: Paragangliomas 5; SDHA-Related Hereditary Paraganglioma-Pheochromocytoma Syndrome. Identifiers: Orphanet 29072, MedGen C3279992, MONDO:0013602, OMIM 614165.
Mitochondrial complex II deficiency, nuclear type 1. Also called: SUCCINATE CoQ REDUCTASE DEFICIENCY. Identifiers: Orphanet 3208, MedGen C5700310, MONDO:0100294, OMIM 252011.
Hereditary cancer-predisposing syndrome. Also called: Neoplastic Syndromes, Hereditary; Hereditary Cancer Syndrome; Tumor predisposition; Hereditary neoplastic syndrome. Identifiers: Orphanet 140162, MedGen C0027672, MeSH D009386, MONDO:0015356.
Dilated cardiomyopathy 1GG (CMD1GG). Identifiers: Orphanet 154, MedGen C3150898, MONDO:0013339, OMIM 613642.
Leigh syndrome (NULS). Also called: Leigh Syndrome (mtDNA deletion); LEIGH SYNDROME, NUCLEAR; Leigh's syndrome; Leigh's necrotizing encephalopathy; Leigh's disease; Leigh Disease. Identifiers: Orphanet 506, MedGen C2931891, MONDO:0009723, OMIM 256000.

Submissions (9):

PreventionGenetics, part of Exact Sciences
Classification: Pathogenic for SDHA-related condition. Last evaluated: 2026-02-03. Review status: criteria provided, single submitter. Criteria: ACMG Guidelines, 2015. Collection method: clinical testing. Allele origin: germline.
Comment: The SDHA c.378delC variant is predicted to result in premature protein termination (p.Val127*). To our knowledge, this variant has not been reported in individuals with SDHA-related disorders. This variant has not been reported in a large population database (gnomAD), indicating it is rare. It is interpreted as pathogenic or likely pathogenic in ClinVar (Variation ID: 472290). Nonsense variants in SDHA are expected to be pathogenic. This variant is interpreted as pathogenic.

Labcorp Genetics (formerly Invitae), Labcorp
Classification: Pathogenic for Pheochromocytoma/paraganglioma syndrome 5; Mitochondrial complex II deficiency, nuclear type 1. Last evaluated: 2026-01-27. Review status: criteria provided, single submitter. Criteria: Invitae Variant Classification Sherloc (09022015). Collection method: clinical testing. Allele origin: germline.
Comment: This sequence change creates a premature translational stop signal (p.Val127*) in the SDHA gene. It is expected to result in an absent or disrupted protein product. Loss-of-function variants in SDHA are known to be pathogenic (PMID: 22974104, 24781757). This variant is not present in population databases (gnomAD no frequency). This variant has not been reported in the literature in individuals affected with SDHA-related conditions. ClinVar contains an entry for this variant (Variation ID: 472290). For these reasons, this variant has been classified as Pathogenic.

Department of Pathology and Laboratory Medicine, Sinai Health System
Classification: Pathogenic for Leigh syndrome. Last evaluated: 2024-11-20. Review status: criteria provided, single submitter. Criteria: ACMG Guidelines, 2015. Collection method: clinical testing. Allele origin: germline.

Molecular Pathology, Peter Maccallum Cancer Centre
Classification: Likely pathogenic for Pheochromocytoma/paraganglioma syndrome 5. Last evaluated: 2024-10-17. Review status: criteria provided, single submitter. Criteria: ACMG Guidelines, 2015. Collection method: clinical testing. Allele origin: germline. Inheritance: Autosomal dominant inheritance.

Myriad Genetics, Inc.
Classification: Pathogenic for Pheochromocytoma/paraganglioma syndrome 5. Last evaluated: 2024-02-07. Review status: criteria provided, single submitter. Criteria: Myriad Autosomal Dominant, Autosomal Recessive and X-Linked Classification Criteria (2023). Collection method: clinical testing. Allele origin: unknown.
Comment: This variant is considered pathogenic. This variant creates a termination codon and is predicted to result in premature protein truncation.

Ambry Genetics
Classification: Pathogenic for Hereditary cancer-predisposing syndrome. Last evaluated: 2023-08-25. Review status: criteria provided, single submitter. Criteria: Ambry Variant Classification Scheme 2023. Collection method: clinical testing. Allele origin: germline.
Comment: The c.378delC pathogenic mutation (also known as p.V127*), located in coding exon 4 of the SDHA gene, results from a deletion of one nucleotide at nucleotide position 378. This changes the amino acid from a valine to a stop codon within coding exon 4. This variant is considered to be rare based on population cohorts in the Genome Aggregation Database (gnomAD). This alteration is expected to result in loss of function by premature protein truncation or nonsense-mediated mRNA decay. As such, this alteration is interpreted as a disease-causing mutation.

Baylor Genetics
Classification: Likely pathogenic for Dilated cardiomyopathy 1GG. Last evaluated: 2023-06-29. Review status: criteria provided, single submitter. Criteria: ACMG Guidelines, 2015. Collection method: clinical testing. Allele origin: unknown.

Quest Diagnostics Nichols Institute San Juan Capistrano
Classification: Pathogenic. Last evaluated: 2023-06-29. Review status: criteria provided, single submitter. Criteria: Quest Diagnostics criteria. Collection method: clinical testing. Allele origin: unknown.
Comment: The SDHA c.378del (p.Val127*) variant causes the premature termination of SDHA protein synthesis. This variant has not been reported in individuals with SDHA-related conditions in the published literature. This variant has not been reported in large, multi-ethnic general populations (Genome Aggregation Database). Based on the available information, this variant is classified as pathogenic. "

Genetic Services Laboratory, University of Chicago
Classification: Likely pathogenic. Last evaluated: 2022-07-22. Review status: no assertion criteria provided. Collection method: clinical testing. Allele origin: germline. Affected: yes. Not counted in ClinVar's aggregate classification.
Comment: DNA sequence analysis of the SDHA gene demonstrated a sequence change, c.378del, which results in the creation of a premature stop codon at amino acid position 127,p.Val127*. This sequence change is predicted to result in an abnormal transcript, which may be degraded, or may lead to the production of a truncated SDHA protein with potentially abnormal function. This sequence change has not been described in population databases such as ExAC and gnomAD. Loss-of-function variants in SDHA have been reported to be pathogenic (PMID: 22974104, 24781757). These collective evidences indicate that this sequence change is likely pathogenic.

Literature cited by the submitters: PubMed 22974104 (cited by Labcorp Genetics (formerly Invitae), Labcorp and Quest Diagnostics Nichols Institute San Juan Capistrano); PubMed 24781757 (cited by Labcorp Genetics (formerly Invitae), Labcorp and Quest Diagnostics Nichols Institute San Juan Capistrano).

NM_004168.4(SDHA):c.378del (p.Thr126_Val127insTer)

Gene: SDHA (succinate dehydrogenase complex flavoprotein subunit A; plus strand). Cytogenetic location: 5p15.33.
Variant type: Deletion.
Coding change: c.378del on transcript NM_004168.4 (MANE Select); coding-DNA position 378, one base deleted (C; older notation c.378delC).
Protein change: p.Thr126_Val127insTer.
Molecular consequence: frameshift variant. On other transcripts: intron variant (1).
Genome position (GRCh38, 1-based): chr5:225,484, C deleted; the last of 2 consecutive C bases (chr5:225,483-225,484); deleting either gives the same sequence. VCF-style (leftmost placement, unchanged base first): chr5-225482-AC-A. GRCh37 (hg19) VCF-style: chr5-225597-AC-A.
Other names: c.378del (NM_004168.3); c.378del, p.Thr126_Val127insTer (NM_001330758.2); c.313-399del (NM_001294332.2).
Identifiers: ClinVar variation 472290 (VCV000472290.22), dbSNP rs1553997617, ClinGen allele CA658657419.